The following is an entry in ClinVar:

NM_001347721.2(DYRK1A):c.1732A>G (p.Thr578Ala)

Gene: DYRK1A (dual specificity tyrosine phosphorylation regulated kinase 1A; plus strand). Cytogenetic location: 21q22.13.
Variant type: single nucleotide variant.
Coding change: c.1732A>G on transcript NM_001347721.2 (MANE Select); coding-DNA position 1732, A replaced by G.
Protein change: p.Thr578Ala; replaces threonine 578 with alanine.
Molecular consequence: missense variant. On other transcripts: 3 prime UTR variant (2).
Genome position (GRCh38, 1-based): chr21:37,511,998, A>G. VCF-style: chr21-37511998-A-G. GRCh37 (hg19) VCF-style: chr21-38884301-A-G.
Other names: c.1732A>G, p.Thr578Ala (NM_001347722.2, NM_130436.2); c.1645A>G, p.Thr549Ala (NM_001347723.2); c.1759A>G, p.Thr587Ala (NM_001396.5); c.*135A>G (NM_101395.2); c.*44A>G (NM_130438.2); short protein forms T549A, T578A, T587A.
Identifiers: ClinVar variation 1336452 (VCV001336452.9), dbSNP rs368101780, ClinGen allele CA10024088.

ClinVar aggregate classification (germline): Uncertain significance. Review status: criteria provided, multiple submitters, no conflicts (2 of 4 stars). 3 submissions from 3 submitters: Uncertain significance (3). Last evaluated 2024-12-24.

Conditions:
DYRK1A-related intellectual disability syndrome (MRD7). Also called: DYRK1A Syndrome; Intellectual developmental disorder, autosomal dominant 7. Identifiers: Orphanet 464306, MedGen C5568143, MONDO:0013578, OMIM 614104.

Allele frequency attached by ClinVar (database versions not stated): gnomAD 0.00001; gnomAD exomes 0.00001; TOPMed 0.00001; ExAC 0.00002; ESP Exome Variant Server 0.00008.
gnomAD v4.1: 13 of 1,614,044 alleles (0.00081%); highest among the groups gnomAD compares: Non-Finnish European, 0.0011%; no homozygotes.

Submissions (3):

Labcorp Genetics (formerly Invitae), Labcorp
Classification: Uncertain significance for DYRK1A-related intellectual disability syndrome. Last evaluated: 2024-12-24. Review status: criteria provided, single submitter. Criteria: Invitae Variant Classification Sherloc (09022015). Collection method: clinical testing. Allele origin: germline.
Comment: This sequence change replaces threonine, which is neutral and polar, with alanine, which is neutral and non-polar, at codon 587 of the DYRK1A protein (p.Thr587Ala). This variant is present in population databases (rs368101780, gnomAD 0.003%). This variant has not been reported in the literature in individuals affected with DYRK1A-related conditions. ClinVar contains an entry for this variant (Variation ID: 1336452). Invitae Evidence Modeling of protein sequence and biophysical properties (such as structural, functional, and spatial information, amino acid conservation, physicochemical variation, residue mobility, and thermodynamic stability) indicates that this missense variant is not expected to disrupt DYRK1A protein function with a negative predictive value of 95%. In summary, the available evidence is currently insufficient to determine the role of this variant in disease. Therefore, it has been classified as a Variant of Uncertain Significance.

Blueprint Genetics
Classification: Uncertain significance. Last evaluated: 2021-06-16. Review status: criteria provided, single submitter. Criteria: ACMG Guidelines, 2015. Collection method: clinical testing. Allele origin: germline.

Genetic Services Laboratory, University of Chicago
Classification: Uncertain significance. Last evaluated: 2017-12-27. Review status: criteria provided, single submitter. Criteria: ACMG Guidelines, 2015. Collection method: clinical testing. Allele origin: germline. Affected: no.